The following is an entry in ClinVar:

NM_000540.3(RYR1):c.13654T>A (p.Phe4552Ile)

Gene: RYR1 (ryanodine receptor 1; plus strand). Cytogenetic location: 19q13.2.
Variant type: single nucleotide variant.
Coding change: c.13654T>A on transcript NM_000540.3 (MANE Select); coding-DNA position 13654, T replaced by A.
Protein change: p.Phe4552Ile; replaces phenylalanine 4552 with isoleucine.
Molecular consequence: missense variant.
Genome position (GRCh38, 1-based): chr19:38,567,912, T>A. VCF-style: chr19-38567912-T-A. GRCh37 (hg19) VCF-style: chr19-39058552-T-A.
Other names: c.13639T>A, p.Phe4547Ile (NM_001042723.2); short protein forms F4552I, F4547I.
Identifiers: ClinVar variation 427029 (VCV000427029.2), dbSNP rs1085307909, ClinGen allele CA405678249.

ClinVar aggregate classification (germline): Likely pathogenic (1 of 4 stars; one submission).

Submission:

GeneDx
Classification: Likely pathogenic. Last evaluated: 2015-08-13. Review status: criteria provided, single submitter. Criteria: GeneDx Variant Classification (06012015). Collection method: clinical testing. Allele origin: germline. Affected: yes.
Comment: The F4552I variant in the RYR1 gene has not been published as a pathogenic variant, nor has it been reported as a benign polymorphism to our knowledge. The RYR1 variant was not observed in approximately 6500 individuals of European and African American ancestry in the NHLBI Exome Sequencing Project, indicating it is not a common variant in these populations. The RYR1 variant is a conservative amino acid substitution, which occurs at a position that is conserved across species. In silico analysis predicts this variant is probably damaging to the protein structure/function. A missense variants in a nearby residue (R4558Q) has been reported in the Human Gene Mutation Database in association with central core disease (Stenson et al., 2014), supporting the functional importance of this region of the protein. The F4552I variant is a strong candidate for a disease-causing variant, however the possibility it may be a rare benign variant cannot be excluded.